The following is an entry in ClinVar:

ClinVar aggregate classification (germline): Uncertain significance (1 of 4 stars; one submission).

Allele frequency attached by ClinVar (database versions not stated): TOPMed below 0.00001; gnomAD 0.00001; gnomAD exomes 0.00001; ExAC 0.00004.
gnomAD v4.1: 14 of 1,589,166 alleles (0.00088%); highest among the groups gnomAD compares: South Asian, 0.014%; no homozygotes.

Submission:

Labcorp Genetics (formerly Invitae), Labcorp
Classification: Uncertain significance. Last evaluated: 2023-10-17. Review status: criteria provided, single submitter. Criteria: Invitae Variant Classification Sherloc (09022015). Collection method: clinical testing. Allele origin: germline.
Comment: This sequence change replaces methionine, which is neutral and non-polar, with valine, which is neutral and non-polar, at codon 39 of the SEMA4A protein (p.Met39Val). The frequency data for this variant in the population databases is considered unreliable, as metrics indicate poor data quality at this position in the gnomAD database. This variant has not been reported in the literature in individuals affected with SEMA4A-related conditions. ClinVar contains an entry for this variant (Variation ID: 1349315). Advanced modeling of protein sequence and biophysical properties (such as structural, functional, and spatial information, amino acid conservation, physicochemical variation, residue mobility, and thermodynamic stability) performed at Invitae indicates that this missense variant is not expected to disrupt SEMA4A protein function. In summary, the available evidence is currently insufficient to determine the role of this variant in disease. Therefore, it has been classified as a Variant of Uncertain Significance.

NM_022367.4(SEMA4A):c.115A>G (p.Met39Val)

Gene: SEMA4A (semaphorin 4A; plus strand). Cytogenetic location: 1q22.
Variant type: single nucleotide variant.
Coding change: c.115A>G on transcript NM_022367.4 (MANE Select); coding-DNA position 115, A replaced by G.
Protein change: p.Met39Val; replaces methionine 39 with valine.
Molecular consequence: missense variant. On other transcripts: 5 prime UTR variant (1), intron variant (3).
Genome position (GRCh38, 1-based): chr1:156,154,693, A>G. VCF-style: chr1-156154693-A-G. GRCh37 (hg19) VCF-style: chr1-156124484-A-G.
Other names: c.115A>G, p.Met39Val (NM_001193300.2, NM_001193301.2, NM_001370567.1); c.-410A>G (NM_001370571.1); c.-385-1721A>G (NM_001370569.1); c.-158-1721A>G (NM_001370568.1); c.-159+929A>G (NM_001193302.2); short protein forms M39V.
Identifiers: ClinVar variation 1349315 (VCV001349315.6), dbSNP rs755494812, ClinGen allele CA1154913.